The following is an entry in ClinVar:

NM_003114.5(SPAG1):c.1024C>T (p.Gln342Ter)

Gene: SPAG1 (sperm associated antigen 1; plus strand). Cytogenetic location: 8q22.2.
Variant type: single nucleotide variant.
Coding change: c.1024C>T on transcript NM_003114.5 (MANE Select); coding-DNA position 1024, C replaced by T.
Protein change: p.Gln342Ter; replaces glutamine 342 with a stop codon.
Molecular consequence: nonsense.
Genome position (GRCh38, 1-based): chr8:100,194,196, C>T. VCF-style: chr8-100194196-C-T. GRCh37 (hg19) VCF-style: chr8-101206424-C-T.
Other names: c.1024C>T, p.Gln342Ter (NM_001374321.1, NM_172218.3); short protein forms Q342*.
Identifiers: ClinVar variation 2014694 (VCV002014694.4), dbSNP rs2489349339, ClinGen allele CA371804680.

ClinVar aggregate classification (germline): Pathogenic (1 of 4 stars; one submission).

Conditions:
Primary ciliary dyskinesia 28. Also called: CILIARY DYSKINESIA, PRIMARY, 28, WITH OR WITHOUT SITUS INVERSUS. Identifiers: Orphanet 244, MedGen C3809706, MONDO:0014216, OMIM 615505.

Submission:

Labcorp Genetics (formerly Invitae), Labcorp
Classification: Pathogenic for Primary ciliary dyskinesia 28. Last evaluated: 2022-07-06. Review status: criteria provided, single submitter. Criteria: Invitae Variant Classification Sherloc (09022015). Collection method: clinical testing. Allele origin: germline.
Comment: This sequence change creates a premature translational stop signal (p.Gln342*) in the SPAG1 gene. It is expected to result in an absent or disrupted protein product. Loss-of-function variants in SPAG1 are known to be pathogenic (PMID: 24055112). For these reasons, this variant has been classified as Pathogenic. This variant has not been reported in the literature in individuals affected with SPAG1-related conditions. This variant is not present in population databases (gnomAD no frequency).

Literature cited by the submitters: PubMed 24055112.